The following is an entry in ClinVar:

ClinVar aggregate classification (germline): Uncertain significance (1 of 4 stars; one submission).

Submission:

Labcorp Genetics (formerly Invitae), Labcorp
Classification: Uncertain significance. Last evaluated: 2022-06-26. Review status: criteria provided, single submitter. Criteria: Invitae Variant Classification Sherloc (09022015). Collection method: clinical testing. Allele origin: germline.
Comment: This sequence change replaces leucine, which is neutral and non-polar, with phenylalanine, which is neutral and non-polar, at codon 453 of the ABCC6 protein (p.Leu453Phe). This variant is not present in population databases (gnomAD no frequency). This variant has not been reported in the literature in individuals affected with ABCC6-related conditions. Algorithms developed to predict the effect of missense changes on protein structure and function output the following: SIFT: "Deleterious"; PolyPhen-2: "Benign"; Align-GVGD: "Class C0". The phenylalanine amino acid residue is found in multiple mammalian species, which suggests that this missense change does not adversely affect protein function. In summary, the available evidence is currently insufficient to determine the role of this variant in disease. Therefore, it has been classified as a Variant of Uncertain Significance.

NM_001171.6(ABCC6):c.1357C>T (p.Leu453Phe)

Gene: ABCC6 (ATP binding cassette subfamily C member 6; minus strand). Cytogenetic location: 16p13.11.
Variant type: single nucleotide variant.
Coding change: c.1357C>T on transcript NM_001171.6 (MANE Select); coding-DNA position 1357, C replaced by T.
Protein change: p.Leu453Phe; replaces leucine 453 with phenylalanine.
Molecular consequence: missense variant. On other transcripts: non-coding transcript variant (1).
Genome position (GRCh38, 1-based): chr16:16,192,904, G>A on the plus strand (C>T on the coding strand, the complement: ABCC6 is on the minus strand). VCF-style: chr16-16192904-G-A. GRCh37 (hg19) VCF-style: chr16-16286761-G-A.
Other names: c.1015C>T, p.Leu339Phe (NM_001351800.1); short protein forms L453F, L339F.
Identifiers: ClinVar variation 2011020 (VCV002011020.4), dbSNP rs2511023678, ClinGen allele CA394890102.